The following is an entry in ClinVar:

ClinVar aggregate classification (germline): Benign/Likely benign. Review status: criteria provided, multiple submitters, no conflicts (2 of 4 stars). 4 submissions from 3 submitters: Benign (2); Likely benign (2). Last evaluated 2024-10-21.

Conditions:
Wagner disease. Also called: WAGNER VITREORETINAL DEGENERATION; Wagner Vitreoretinal Degeneration (Wagner Synrdome); Wagner syndrome; HYALOIDEORETINAL DEGENERATION OF WAGNER; WAGNER VITREORETINOPATHY; WAGNER SYNDROME 1. Identifiers: Orphanet 898, MedGen C1840452, MONDO:0007740, OMIM 143200.
Vitreoretinopathy. Also called: Vitreoretinal degeneration. Identifiers: MedGen C0344290, MONDO:0020248, HP:0007773.

Allele frequency attached by ClinVar (database versions not stated): gnomAD 0.00001; TOPMed 0.00001; gnomAD exomes 0.00002 and 0.00004; ExAC 0.00007.
gnomAD v4.1: 32 of 1,614,054 alleles (0.002%); highest among the groups gnomAD compares: South Asian, 0.014%; no homozygotes.

Submissions (4):

Labcorp Genetics (formerly Invitae), Labcorp
Classification: Likely benign. Last evaluated: 2024-10-21. Review status: criteria provided, single submitter. Criteria: Invitae Variant Classification Sherloc (09022015). Collection method: clinical testing. Allele origin: germline.

Blueprint Genetics
Classification: Likely benign. Last evaluated: 2021-06-24. Review status: criteria provided, single submitter. Criteria: ACMG Guidelines, 2015. Collection method: clinical testing. Allele origin: germline.

Illumina Laboratory Services, Illumina
Classification: Benign for Vitreoretinopathy. Last evaluated: 2018-01-13. Review status: criteria provided, single submitter. Criteria: ICSL Variant Classification Criteria 13 December 2019. Collection method: clinical testing. Allele origin: germline.
Comment: This variant was observed in the ICSL laboratory as part of a predisposition screen in an ostensibly healthy population. It had not been previously curated by ICSL or reported in the Human Gene Mutation Database (HGMD: prior to June 1st, 2018), and was therefore a candidate for classification through an automated scoring system. Utilizing variant allele frequency, disease prevalence and penetrance estimates, and inheritance mode, an automated score was calculated to assess if this variant is too frequent to cause the disease. Based on the score and internal cut-off values, a variant classified as benign is not then subjected to further curation. The score for this variant resulted in a classification of benign for this disease.

Illumina Laboratory Services, Illumina
Classification: Benign for Wagner disease. Last evaluated: 2018-01-13. Review status: criteria provided, single submitter. Criteria: ICSL Variant Classification Criteria 13 December 2019. Collection method: clinical testing. Allele origin: germline.
Comment: the same text as in the submission from Illumina Laboratory Services, Illumina above.

NM_004385.5(VCAN):c.909C>T (p.Ser303=)

Gene: VCAN (versican; plus strand). Cytogenetic location: 5q14.3.
Variant type: single nucleotide variant.
Coding change: c.909C>T on transcript NM_004385.5 (MANE Select); coding-DNA position 909, C replaced by T.
Protein change: p.Ser303=; no amino-acid change (serine 303 retained).
Molecular consequence: synonymous variant.
Genome position (GRCh38, 1-based): chr5:83,512,263, C>T. VCF-style: chr5-83512263-C-T. GRCh37 (hg19) VCF-style: chr5-82808082-C-T.
Other names: c.909C>T, p.Ser303= (NM_001126336.3, NM_001164097.2, NM_001164098.2).
Identifiers: ClinVar variation 905636 (VCV000905636.9), dbSNP rs754375176, ClinGen allele CA3332552.